The following is an entry in ClinVar:

NM_003002.4(SDHD):c.169+1G>A

Gene: SDHD (succinate dehydrogenase complex subunit D; plus strand). Cytogenetic location: 11q23.1.
Variant type: single nucleotide variant.
Coding change: c.169+1G>A on transcript NM_003002.4 (MANE Select); the canonical splice donor site of the intron after coding-DNA position 169, G replaced by A.
Molecular consequence: splice donor variant. On other transcripts: intron variant (1).
Genome position (GRCh38, 1-based): chr11:112,087,974, G>A. VCF-style: chr11-112087974-G-A. GRCh37 (hg19) VCF-style: chr11-111958698-G-A.
Other names: c.169+1G>A (NM_001276506.2, NM_001276503.2); c.53-893G>A (NM_001276504.2).
Identifiers: ClinVar variation 1455596 (VCV001455596.8), dbSNP rs2135267557, ClinGen allele CA382617138.

ClinVar aggregate classification (germline): Pathogenic (1 of 4 stars; one submission).

Conditions:
Carney-Stratakis syndrome. Also called: PARAGANGLIOMA AND GASTROINTESTINAL STROMAL TUMOR. Identifiers: Orphanet 97286, MedGen C1847319, MONDO:0011740, OMIM 606864.
Pheochromocytoma. Also called: MAX-Related Hereditary Paraganglioma-Pheochromocytoma Syndrome. Identifiers: Orphanet 29072, MedGen C0031511, MONDO:0008233, OMIM 171300, HP:0002666.
Paragangliomas with sensorineural hearing loss. Identifiers: MedGen C1868633.
Cowden syndrome 3 (CWS3). Identifiers: Orphanet 201, MedGen CN166604, MONDO:0014045.

Submission:

Labcorp Genetics (formerly Invitae), Labcorp
Classification: Pathogenic for Carney-Stratakis syndrome; Paragangliomas with sensorineural hearing loss; Pheochromocytoma; Cowden syndrome 3. Last evaluated: 2021-04-15. Review status: criteria provided, single submitter. Criteria: Invitae Variant Classification Sherloc (09022015). Collection method: clinical testing. Allele origin: germline.
Comment: This sequence change affects a donor splice site in intron 2 of the SDHD gene. It is expected to disrupt RNA splicing. Variants that disrupt the donor or acceptor splice site typically lead to a loss of protein function (PMID: 16199547), and loss-of-function variants in SDHD are known to be pathogenic (PMID: 19454582, 19802898). For these reasons, this variant has been classified as Pathogenic. Algorithms developed to predict the effect of sequence changes on RNA splicing suggest that this variant may disrupt the consensus splice site, but this prediction has not been confirmed by published transcriptional studies. Disruption of this splice site has been observed in individual(s) with paragangliomas (PMID: 16317055, 30050099). This variant is not present in population databases (ExAC no frequency).

Literature cited by the submitters: PubMed 16199547; PubMed 19454582; PubMed 19802898; PubMed 16317055; PubMed 30050099.